The following is an entry in ClinVar:

NM_006915.3(RP2):c.333A>G (p.Thr111=)

Gene: RP2 (RP2 activator of ARL3 GTPase; plus strand). Cytogenetic location: Xp11.3.
Variant type: single nucleotide variant.
Coding change: c.333A>G on transcript NM_006915.3 (MANE Select); coding-DNA position 333, A replaced by G.
Protein change: p.Thr111=; no amino-acid change (threonine 111 retained).
Molecular consequence: synonymous variant.
Genome position (GRCh38, 1-based): chrX:46,853,706, A>G. VCF-style: chrX-46853706-A-G. GRCh37 (hg19) VCF-style: chrX-46713141-A-G.
Other names: c.333A>G (NM_006915.2).
Identifiers: ClinVar variation 3010266 (VCV003010266.5), dbSNP rs1924901769, ClinGen allele CA516370806.

ClinVar aggregate classification (germline): Likely benign. Review status: criteria provided, multiple submitters, no conflicts (2 of 4 stars). 3 submissions from 3 submitters: Likely benign (3). Last evaluated 2025-06-04.

Conditions:
RP2-related disorder. Also called: RP2-related condition.

Allele frequency attached by ClinVar (database versions not stated): gnomAD 0.00001; gnomAD exomes 0.00001; TOPMed 0.00002.
gnomAD v4.1: 9 of 1,210,541 alleles (0.00074%); highest among the groups gnomAD compares: Admixed American, 0.0022%; no homozygotes.

Submissions (3):

PreventionGenetics, part of Exact Sciences
Classification: Likely benign for RP2-related condition. Last evaluated: 2025-06-04. Review status: criteria provided, single submitter. Criteria: ACMG Guidelines, 2015. Collection method: clinical testing. Allele origin: germline.
Comment: This variant is classified as likely benign based on ACMG/AMP sequence variant interpretation guidelines (Richards et al. 2015 PMID: 25741868, with internal and published modifications).

Labcorp Genetics (formerly Invitae), Labcorp
Classification: Likely benign. Last evaluated: 2024-01-16. Review status: criteria provided, single submitter. Criteria: Invitae Variant Classification Sherloc (09022015). Collection method: clinical testing. Allele origin: germline.

Blueprint Genetics
Classification: Likely benign. Last evaluated: 2021-10-06. Review status: criteria provided, single submitter. Criteria: ACMG Guidelines, 2015. Collection method: clinical testing. Allele origin: germline.